The following is an entry in ClinVar:

ClinVar aggregate classification (germline): Benign. Review status: criteria provided, multiple submitters, no conflicts (2 of 4 stars). 3 submissions from 3 submitters: Benign (2). 1 of the submissions does not count toward it. Last evaluated 2025-11-23.

Conditions:
SORL1-related disorder. Also called: SORL1-related condition.

Allele frequency attached by ClinVar (database versions not stated): TOPMed 0.00022; ESP Exome Variant Server 0.00038; gnomAD exomes 0.00053 and 0.00103; gnomAD 0.00069 and 0.00074; ExAC 0.00113.
gnomAD v4.1: 869 of 1,613,990 alleles (0.054%); highest among the groups gnomAD compares: Non-Finnish European, 0.031%; 1 homozygote.

Submissions (3):

Labcorp Genetics (formerly Invitae), Labcorp
Classification: Benign. Last evaluated: 2025-11-23. Review status: criteria provided, single submitter. Criteria: Invitae Variant Classification Sherloc (09022015). Collection method: clinical testing. Allele origin: germline.

Breakthrough Genomics
Classification: Benign. Review status: criteria provided, single submitter. Criteria: ACMG Guidelines, 2015. Collection method: not provided. Allele origin: germline. Inheritance: Unknown mechanism. Affected: yes.

PreventionGenetics, part of Exact Sciences
Classification: Benign for SORL1-related condition. Last evaluated: 2020-01-14. Review status: no assertion criteria provided. Collection method: clinical testing. Allele origin: germline. Not counted in ClinVar's aggregate classification.
Comment: This variant is classified as benign based on ACMG/AMP sequence variant interpretation guidelines (Richards et al. 2015 PMID: 25741868, with internal and published modifications).

NM_003105.6(SORL1):c.2200G>A (p.Asp734Asn)

Gene: SORL1 (sortilin related receptor 1; plus strand). Cytogenetic location: 11q24.1.
Variant type: single nucleotide variant.
Coding change: c.2200G>A on transcript NM_003105.6 (MANE Select); coding-DNA position 2200, G replaced by A.
Protein change: p.Asp734Asn; replaces aspartic acid 734 with asparagine.
Molecular consequence: missense variant.
Genome position (GRCh38, 1-based): chr11:121,550,604, G>A. VCF-style: chr11-121550604-G-A. GRCh37 (hg19) VCF-style: chr11-121421313-G-A.
Other names: c.2200G>A (NM_003105.5); short protein forms D734N.
Identifiers: ClinVar variation 1658316 (VCV001658316.11), dbSNP rs148430425, ClinGen allele CA6328871.
Genomic context (GRCh38, chr11:121,550,604, plus strand): 5'-TTCCATGTTTCTGACCTCTTGCTCTTGGGGTGGGGTGACAGCTACCGGAAGATTTCTGGG[G>A]ACACTTGTAGCGGAGGAGATGTTGAAGCGCGACTGGAAGGAGAGCTGGTCCCCTGTCCCC-3'
Protein context (NP_003096.2, residues 724-744): RTRGYRKISG[Asp734Asn]TCSGGDVEAR